The following is an entry in ClinVar:

NM_004211.5(SLC6A5):c.2162T>C (p.Met721Thr)

Gene: SLC6A5 (solute carrier family 6 member 5; plus strand). Cytogenetic location: 11p15.1.
Variant type: single nucleotide variant.
Coding change: c.2162T>C on transcript NM_004211.5 (MANE Select); coding-DNA position 2162, T replaced by C.
Protein change: p.Met721Thr; replaces methionine 721 with threonine.
Molecular consequence: missense variant.
Genome position (GRCh38, 1-based): chr11:20,652,380, T>C. VCF-style: chr11-20652380-T-C. GRCh37 (hg19) VCF-style: chr11-20673926-T-C.
Other names: c.1460T>C, p.Met487Thr (NM_001318369.2); short protein forms M721T, M487T.
Identifiers: ClinVar variation 2057856 (VCV002057856.1), dbSNP rs746672151, ClinGen allele CA5921707.
Genomic context (GRCh38, chr11:20,652,380, plus strand): 5'-AGCCCATGACCTATGGCTCTTACCGCTATCCTAACTGGTCCATGGTGCTCGGATGGCTAA[T>C]GCTCGCCTGTTCCGTCATCTGGATCCCAATTATGTTTGTGATAAAAATGCATCTGGCCCC-3'
Protein context (NP_004202.4, residues 711-731): PNWSMVLGWL[Met721Thr]LACSVIWIPI

ClinVar aggregate classification (germline): Uncertain significance (1 of 4 stars; one submission).

Conditions:
Hyperekplexia 3 (HKPX3). Also called: HYPEREKPLEXIA 3, AUTOSOMAL RECESSIVE; HYPEREKPLEXIA 3, AUTOSOMAL DOMINANT. Identifiers: Orphanet 3197, MedGen C3553288, MONDO:0013827, OMIM 614618.

Allele frequency attached by ClinVar (database versions not stated): gnomAD 0.00001; ExAC 0.00002; TOPMed 0.00002; gnomAD exomes 0.00006.
gnomAD v4.1: 92 of 1,614,048 alleles (0.0057%); highest among the groups gnomAD compares: Non-Finnish European, 0.0075%; no homozygotes.

Submission:

Labcorp Genetics (formerly Invitae), Labcorp
Classification: Uncertain significance for Hyperekplexia 3. Last evaluated: 2022-09-07. Review status: criteria provided, single submitter. Criteria: Invitae Variant Classification Sherloc (09022015). Collection method: clinical testing. Allele origin: germline.
Comment: This sequence change replaces methionine, which is neutral and non-polar, with threonine, which is neutral and polar, at codon 721 of the SLC6A5 protein (p.Met721Thr). This variant is present in population databases (rs746672151, gnomAD 0.003%). This variant has not been reported in the literature in individuals affected with SLC6A5-related conditions. Advanced modeling of protein sequence and biophysical properties (such as structural, functional, and spatial information, amino acid conservation, physicochemical variation, residue mobility, and thermodynamic stability) performed at Invitae indicates that this missense variant is not expected to disrupt SLC6A5 protein function. In summary, the available evidence is currently insufficient to determine the role of this variant in disease. Therefore, it has been classified as a Variant of Uncertain Significance.